The following is an entry in ClinVar:

NM_000393.5(COL5A2):c.1563+5A>G

Gene: COL5A2 (collagen type V alpha 2 chain; minus strand). Cytogenetic location: 2q32.2.
Variant type: single nucleotide variant.
Coding change: c.1563+5A>G on transcript NM_000393.5 (MANE Select); 5 bases into the intron after coding-DNA position 1563, A replaced by G.
Molecular consequence: intron variant.
Genome position (GRCh38, 1-based): chr2:189,066,385, T>C on the plus strand (A>G on the coding strand, the complement: COL5A2 is on the minus strand). VCF-style: chr2-189066385-T-C. GRCh37 (hg19) VCF-style: chr2-189931111-T-C.
Identifiers: ClinVar variation 383268 (VCV000383268.27), dbSNP rs777118100, ClinGen allele CA16604082.
Genomic context (GRCh38, chr2:189,066,385, plus strand): 5'-GTTCTCAGACTTACACACATAATTCCCTCACAACTGTAAGAATGTGTTGTATTATTTAAA[T>C]TTACCCTTTCTCCCACTGGCCCTGGAGGACCAACTGTTCCTGGGTCACCTCTGGGACCTC-3'

ClinVar aggregate classification (germline): Conflicting classifications of pathogenicity. Review status: criteria provided, conflicting classifications (1 of 4 stars). 4 submissions from 4 submitters: Uncertain significance (3); Likely benign (1). Last evaluated 2025-06-27.

Conditions:
Ehlers-Danlos syndrome, classic type, 1 (EDSCL1). Also called: Ehlers-Danlos syndrome, type 1; EDS I; EHLERS-DANLOS SYNDROME, GRAVIS TYPE; EHLERS-DANLOS SYNDROME, SEVERE CLASSIC TYPE; Ehlers-Danlos Syndrome, Classic Type, COL5A1-Related. Identifiers: MedGen C0268335, MONDO:0019567, OMIM 130000.

Allele frequency attached by ClinVar (database versions not stated): gnomAD exomes below 0.00001 and 0.00001; TOPMed below 0.00001; gnomAD 0.00001.
gnomAD v4.1: 6 of 1,610,464 alleles (0.00037%); highest among the groups gnomAD compares: Non-Finnish European, 0.00051%; no homozygotes.

Submissions (4):

Labcorp Genetics (formerly Invitae), Labcorp
Classification: Uncertain significance for Ehlers-Danlos syndrome, classic type, 1. Last evaluated: 2025-06-27. Review status: criteria provided, single submitter. Criteria: Invitae Variant Classification Sherloc (09022015). Collection method: clinical testing. Allele origin: germline.
Comment: This sequence change falls in intron 23 of the COL5A2 gene. It does not directly change the encoded amino acid sequence of the COL5A2 protein. It affects a nucleotide within the consensus splice site. This variant is not present in population databases (gnomAD no frequency). This variant has not been reported in the literature in individuals affected with COL5A2-related conditions. ClinVar contains an entry for this variant (Variation ID: 383268). Variants that disrupt the consensus splice site are a relatively common cause of aberrant splicing (PMID: 17576681, 9536098). Algorithms developed to predict the effect of sequence changes on RNA splicing suggest that this variant is not likely to affect RNA splicing. In summary, the available evidence is currently insufficient to determine the role of this variant in disease. Therefore, it has been classified as a Variant of Uncertain Significance.

CeGaT Center for Human Genetics Tuebingen
Classification: Uncertain significance. Last evaluated: 2024-11-01. Review status: criteria provided, single submitter. Criteria: CeGaT Center For Human Genetics Tuebingen Variant Classification Criteria Version 2. Collection method: clinical testing. Allele origin: germline. Affected: yes. Observed: 1 variant allele.
Comment: COL5A2: PM2:Supporting, BP4

Women's Health and Genetics/Laboratory Corporation of America, LabCorp
Classification: Uncertain significance. Last evaluated: 2023-12-03. Review status: criteria provided, single submitter. Criteria: LabCorp Variant Classification Summary - May 2015. Collection method: clinical testing. Allele origin: germline.

GeneDx
Classification: Likely benign. Last evaluated: 2016-01-27. Review status: criteria provided, single submitter. Criteria: GeneDx Variant Classification (06012015). Collection method: clinical testing. Allele origin: germline. Affected: yes.
Comment: This variant is considered likely benign or benign based on one or more of the following criteria: it is a conservative change, it occurs at a poorly conserved position in the protein, it is predicted to be benign by multiple in silico algorithms, and/or has population frequency not consistent with disease.

Literature cited by the submitters: PubMed 17576681 (cited by Labcorp Genetics (formerly Invitae), Labcorp); PubMed 9536098 (cited by Labcorp Genetics (formerly Invitae), Labcorp).